The following is an entry in ClinVar:

NM_000368.5(TSC1):c.1813G>A (p.Asp605Asn)

Gene: TSC1 (TSC complex subunit 1; minus strand). Cytogenetic location: 9q34.13.
Variant type: single nucleotide variant.
Coding change: c.1813G>A on transcript NM_000368.5 (MANE Select); coding-DNA position 1813, G replaced by A.
Protein change: p.Asp605Asn; replaces aspartic acid 605 with asparagine.
Molecular consequence: missense variant.
Genome position (GRCh38, 1-based): chr9:132,905,765, C>T on the plus strand (G>A on the coding strand, the complement: TSC1 is on the minus strand). VCF-style: chr9-132905765-C-T. GRCh37 (hg19) VCF-style: chr9-135781152-C-T.
Other names: c.1810G>A, p.Asp604Asn (NM_001162426.2); c.1660G>A, p.Asp554Asn (NM_001162427.2); c.1450G>A, p.Asp484Asn (NM_001362177.2); short protein forms D484N, D604N, D605N, D554N.
Identifiers: ClinVar variation 642067 (VCV000642067.17), dbSNP rs1588309025, ClinGen allele CA375363348.

ClinVar aggregate classification (germline): Conflicting classifications of pathogenicity. Review status: criteria provided, conflicting classifications (1 of 4 stars). 6 submissions from 6 submitters: Uncertain significance (5); Likely benign (1). Last evaluated 2025-11-24.

Conditions:
Isolated focal cortical dysplasia type II (FCORD2). Also called: CORTICAL DYSPLASIA OF TAYLOR; Focal cortical dysplasia type II. Identifiers: Orphanet 268994, MedGen C1846385, MONDO:0011818, OMIM 607341, HP:0032051.
Hereditary cancer-predisposing syndrome. Also called: Neoplastic Syndromes, Hereditary; Hereditary Cancer Syndrome; Hereditary neoplastic syndrome; Tumor predisposition. Identifiers: Orphanet 140162, MedGen C0027672, MeSH D009386, MONDO:0015356.
Tuberous sclerosis 1 (TSC1). Identifiers: Orphanet 805, MedGen C1854465, MONDO:0008612, OMIM 191100.
Tuberous sclerosis syndrome (TSC). Also called: Tuberous sclerosis; Tuberous Sclerosis Complex. Identifiers: Orphanet 805, MedGen C0041341, MONDO:0001734.

Submissions (6):

Color Diagnostics, LLC DBA Color Health
Classification: Uncertain significance for Tuberous sclerosis syndrome. Last evaluated: 2025-11-24. Review status: criteria provided, single submitter. Criteria: ACMG Guidelines, 2015. Collection method: clinical testing. Allele origin: germline.
Comment: This missense variant replaces aspartic acid with asparagine at codon 605 of the TSC1 protein. Computational prediction is inconclusive regarding the impact of this variant on protein structure and function. To our knowledge, functional studies have not been reported for this variant. This variant has not been reported in individuals affected with TSC1-related disorders in the literature. This variant has not been identified in the general population by the Genome Aggregation Database (gnomAD). The available evidence is insufficient to determine the role of this variant in disease conclusively. Therefore, this variant is classified as a Variant of Uncertain Significance.

Labcorp Genetics (formerly Invitae), Labcorp
Classification: Uncertain significance for Tuberous sclerosis 1. Last evaluated: 2025-10-26. Review status: criteria provided, single submitter. Criteria: Invitae Variant Classification Sherloc (09022015). Collection method: clinical testing. Allele origin: germline.
Comment: This sequence change replaces aspartic acid, which is acidic and polar, with asparagine, which is neutral and polar, at codon 605 of the TSC1 protein (p.Asp605Asn). This variant is not present in population databases (gnomAD no frequency). This variant has not been reported in the literature in individuals affected with TSC1-related conditions. ClinVar contains an entry for this variant (Variation ID: 642067). Invitae Evidence Modeling of protein sequence and biophysical properties (such as structural, functional, and spatial information, amino acid conservation, physicochemical variation, residue mobility, and thermodynamic stability) indicates that this missense variant is not expected to disrupt TSC1 protein function with a negative predictive value of 95%. In summary, the available evidence is currently insufficient to determine the role of this variant in disease. Therefore, it has been classified as a Variant of Uncertain Significance.

Ambry Genetics
Classification: Likely benign for Hereditary cancer-predisposing syndrome. Last evaluated: 2025-09-07. Review status: criteria provided, single submitter. Criteria: Ambry Variant Classification Scheme 2023. Collection method: clinical testing. Allele origin: germline.

Baylor Genetics
Classification: Uncertain significance for Isolated focal cortical dysplasia type II. Last evaluated: 2023-06-05. Review status: criteria provided, single submitter. Criteria: ACMG Guidelines, 2015. Collection method: clinical testing. Allele origin: unknown.

Genome-Nilou Lab
Classification: Uncertain significance for Tuberous sclerosis 1. Last evaluated: 2021-11-07. Review status: criteria provided, single submitter. Criteria: ACMG Guidelines, 2015. Collection method: clinical testing. Allele origin: germline. Affected: no.

GeneDx
Classification: Uncertain significance. Last evaluated: 2019-09-10. Review status: criteria provided, single submitter. Criteria: GeneDx Variant Classification Process June 2021. Collection method: clinical testing. Allele origin: germline. Affected: yes.
Comment: Not observed in large population cohorts (Lek et al., 2016); In silico analysis, which includes protein predictors and evolutionary conservation, supports that this variant does not alter protein structure/function; Has not been previously published as pathogenic or benign to our knowledge